The following is an entry in ClinVar:

ClinVar aggregate classification (germline): Uncertain significance (1 of 4 stars; one submission).

Conditions:
Duchenne muscular dystrophy (DMD). Also called: Duchenne Muscular Dystrophy (DMD); MUSCULAR DYSTROPHY, PSEUDOHYPERTROPHIC PROGRESSIVE, DUCHENNE TYPE. Identifiers: Orphanet 98896, MedGen C0013264, MONDO:0010679, OMIM 310200.

gnomAD v4.1: 1 of 1,210,854 alleles (0.000083%); no homozygotes.

Submission:

Labcorp Genetics (formerly Invitae), Labcorp
Classification: Uncertain significance for Duchenne muscular dystrophy. Last evaluated: 2022-08-22. Review status: criteria provided, single submitter. Criteria: Invitae Variant Classification Sherloc (09022015). Collection method: clinical testing. Allele origin: germline.
Comment: In summary, the available evidence is currently insufficient to determine the role of this variant in disease. Therefore, it has been classified as a Variant of Uncertain Significance. Algorithms developed to predict the effect of sequence changes on RNA splicing suggest that this variant may create or strengthen a splice site. Algorithms developed to predict the effect of missense changes on protein structure and function are either unavailable or do not agree on the potential impact of this missense change (SIFT: "Deleterious"; PolyPhen-2: "Benign"; Align-GVGD: "Class C0"). ClinVar contains an entry for this variant (Variation ID: 1470543). This variant has not been reported in the literature in individuals affected with DMD-related conditions. This variant is not present in population databases (gnomAD no frequency). This sequence change replaces serine, which is neutral and polar, with glycine, which is neutral and non-polar, at codon 1605 of the DMD protein (p.Ser1605Gly).

NM_004006.3(DMD):c.4813A>G (p.Ser1605Gly)

Gene: DMD (dystrophin; minus strand). Cytogenetic location: Xp21.1.
Variant type: single nucleotide variant.
Coding change: c.4813A>G on transcript NM_004006.3 (MANE Select); coding-DNA position 4813, A replaced by G.
Protein change: p.Ser1605Gly; replaces serine 1605 with glycine.
Molecular consequence: missense variant.
Genome position (GRCh38, 1-based): chrX:32,380,542, T>C on the plus strand (A>G on the coding strand, the complement: DMD is on the minus strand). VCF-style: chrX-32380542-T-C. GRCh37 (hg19) VCF-style: chrX-32398659-T-C.
Other names: c.4789A>G, p.Ser1597Gly (NM_000109.4); c.4801A>G, p.Ser1601Gly (NM_004009.3); c.4444A>G, p.Ser1482Gly (NM_004010.3); c.790A>G, p.Ser264Gly (NM_004011.4); c.781A>G, p.Ser261Gly (NM_004012.4); short protein forms S1597G, S1601G, S1482G, S261G, S264G, S1605G.
Identifiers: ClinVar variation 1470543 (VCV001470543.6), dbSNP rs778702600, ClinGen allele CA412661063.
Genomic context (GRCh38, chrX:32,380,542, plus strand): 5'-AAATAACCTTCAGTGATATAGGTTTTACCTTTCCCCAGGCAACTTCAGAATCCAAATTAC[T>C]AGGCATTCCTTCAACTGCTGATCTCTTTGTCAATTCCATATCTGTAGCTGCCAGCCATTC-3'
Protein context (NP_003997.2, residues 1595-1615): TKRSAVEGMP[Ser1605Gly]NLDSEVAWGK